The following is an entry in ClinVar:

NM_000057.4(BLM):c.1190_1191del (p.Gly397fs)

Gene: BLM (BLM RecQ like helicase; plus strand). Cytogenetic location: 15q26.1.
Variant type: Deletion.
Coding change: c.1190_1191del on transcript NM_000057.4 (MANE Select); coding-DNA positions 1190 to 1191, 2 bases deleted (GG; older notation c.1190_1191delGG).
Protein change: p.Gly397fs; shifts the reading frame from glycine 397.
Molecular consequence: frameshift variant.
Genome position (GRCh38, 1-based): chr15:90,760,249-90,760,250, GG deleted; deleting any 2 consecutive bases within chr15:90,760,248-90,760,250 gives the same sequence; the c. name uses the placement nearest the transcript's 3' end. VCF-style (leftmost placement, unchanged base first): chr15-90760247-TGG-T. GRCh37 (hg19) VCF-style: chr15-91303477-TGG-T.
Other names: c.1190_1191del, p.Gly397fs (NM_001287246.2, NM_001287247.2); c.65_66del, p.Gly22fs (NM_001287248.2); short protein forms G22fs, G397fs.
Identifiers: ClinVar variation 4063868 (VCV004063868.2).

ClinVar aggregate classification (germline): Likely pathogenic (1 of 4 stars; one submission).

Conditions:
Bloom syndrome (BLM). Also called: Bloom-Torre-Machacek syndrome. Identifiers: Orphanet 125, MedGen C0005859, MONDO:0008876, OMIM 210900.

Submission:

Natera, Inc.
Classification: Likely pathogenic for Bloom syndrome. Last evaluated: 2025-04-28. Review status: criteria provided, single submitter. Criteria: Natera Variant Classification Schema (03/2026). Collection method: clinical testing. Allele origin: germline.
Comment: The c.1190_1191del variant in BLM is a frameshift variant predicted to shift the reading frame beginning at codon 397 and leads to a stop codon 20 codons downstream. This variant is expected to result in nonsense mediated decay, truncation, or a dysfunctional protein product. This variant is rare in the general population with a frequency below the threshold expected for the associated phenotype(s). Given the available evidence, this variant is classified as Likely Pathogenic.